The following is an entry in ClinVar:

NM_024675.4(PALB2):c.1364A>G (p.Asn455Ser)

Gene: PALB2 (partner and localizer of BRCA2; minus strand). Cytogenetic location: 16p12.2.
Variant type: single nucleotide variant.
Coding change: c.1364A>G on transcript NM_024675.4 (MANE Select); coding-DNA position 1364, A replaced by G.
Protein change: p.Asn455Ser; replaces asparagine 455 with serine.
Molecular consequence: missense variant.
Genome position (GRCh38, 1-based): chr16:23,635,182, T>C on the plus strand (A>G on the coding strand, the complement: PALB2 is on the minus strand). VCF-style: chr16-23635182-T-C. GRCh37 (hg19) VCF-style: chr16-23646503-T-C.
Other names: p.N455S:AAT>AGT; short protein forms N455S.
Identifiers: ClinVar variation 141535 (VCV000141535.34), dbSNP rs587781824, ClinGen allele CA294158.

ClinVar aggregate classification (germline): Conflicting classifications of pathogenicity. Review status: criteria provided, conflicting classifications (1 of 4 stars). 7 submissions from 7 submitters: Uncertain significance (5); Likely benign (1). 1 of the submissions does not count toward it. Last evaluated 2025-12-21.

Conditions:
Hereditary cancer-predisposing syndrome. Also called: Neoplastic Syndromes, Hereditary; Hereditary Cancer Syndrome; Hereditary neoplastic syndrome; Tumor predisposition. Identifiers: Orphanet 140162, MedGen C0027672, MeSH D009386, MONDO:0015356.
Familial cancer of breast. Also called: Hereditary breast cancer; hereditary breast carcinoma; BREAST CANCER, FAMILIAL. Identifiers: Orphanet 227535, MedGen C0346153, MONDO:0016419, OMIM 114480. Disease mechanism: loss of function.
Fanconi anemia complementation group N. Also called: PALB2-Related Fanconi Anemia. Identifiers: Orphanet 84, MedGen C1835817, MONDO:0012565, OMIM 610832. Disease mechanism: loss of function.

Allele frequency attached by ClinVar (database versions not stated): TOPMed below 0.00001; gnomAD 0.00001; gnomAD exomes 0.00001.
gnomAD v4.1: 11 of 1,614,090 alleles (0.00068%); highest among the groups gnomAD compares: Non-Finnish European, 0.00093%; no homozygotes.

Submissions (7):

Labcorp Genetics (formerly Invitae), Labcorp
Classification: Uncertain significance for Familial cancer of breast. Last evaluated: 2025-12-21. Review status: criteria provided, single submitter. Criteria: Invitae Variant Classification Sherloc (09022015). Collection method: clinical testing. Allele origin: germline.
Comment: This sequence change replaces asparagine, which is neutral and polar, with serine, which is neutral and polar, at codon 455 of the PALB2 protein (p.Asn455Ser). This variant is not present in population databases (gnomAD no frequency). This variant has not been reported in the literature in individuals affected with PALB2-related conditions. ClinVar contains an entry for this variant (Variation ID: 141535). Invitae Evidence Modeling of protein sequence and biophysical properties (such as structural, functional, and spatial information, amino acid conservation, physicochemical variation, residue mobility, and thermodynamic stability) indicates that this missense variant is not expected to disrupt PALB2 protein function with a negative predictive value of 80%. RNA analysis performed to evaluate the impact of this missense change on mRNA splicing indicates it does not significantly alter splicing (internal data). In summary, the available evidence is currently insufficient to determine the role of this variant in disease. Therefore, it has been classified as a Variant of Uncertain Significance.

Color Diagnostics, LLC DBA Color Health
Classification: Uncertain significance for Hereditary cancer-predisposing syndrome. Last evaluated: 2025-10-28. Review status: criteria provided, single submitter. Criteria: ACMG Guidelines, 2015. Collection method: clinical testing. Allele origin: germline.
Comment: This missense variant replaces asparagine with serine at codon 455 of the PALB2 protein. Computational prediction suggests that this variant may not impact protein structure and function. To our knowledge, functional studies have not been reported for this variant. This variant has been detected in a breast cancer case-control meta-analysis in 1/60466 cases and 2/53461 unaffected individuals (PMID: 33471991LOVD DB-ID PALB2_011043). This variant has been identified in 11/1614090 chromosomes in the general population by the Genome Aggregation Database (gnomAD). The available evidence is insufficient to determine the role of this variant in disease conclusively. Therefore, this variant is classified as a Variant of Uncertain Significance.

GeneDx
Classification: Uncertain significance. Last evaluated: 2025-09-25. Review status: criteria provided, single submitter. Criteria: GeneDx Variant Classification Process June 2021. Collection method: clinical testing. Allele origin: germline. Affected: yes.
Comment: Not observed at significant frequency in large population cohorts (gnomAD); In silico analysis suggests that this missense variant does not alter protein structure/function; Observed in individual(s) with breast cancer and also in unaffected control(s) (PMID: 33471991); This variant is associated with the following publications: (PMID: 33471991)

Ambry Genetics
Classification: Likely benign for Hereditary cancer-predisposing syndrome. Last evaluated: 2023-06-21. Review status: criteria provided, single submitter. Criteria: Ambry Variant Classification Scheme 2023. Collection method: clinical testing. Allele origin: germline.

Myriad Genetics, Inc.
Classification: Uncertain significance for Familial cancer of breast. Last evaluated: 2023-03-31. Review status: criteria provided, single submitter. Criteria: Myriad Autosomal Dominant, Autosomal Recessive and X-Linked Classification Criteria (2023). Collection method: clinical testing. Allele origin: unknown.
Comment: This variant is classified as a variant of uncertain significance as there is insufficient evidence to determine its impact on protein function and/or cancer risk.

Illumina Laboratory Services, Illumina
Classification: Uncertain significance for Fanconi anemia complementation group N. Last evaluated: 2018-01-13. Review status: criteria provided, single submitter. Criteria: ICSL Variant Classification Criteria 13 December 2019. Collection method: clinical testing. Allele origin: germline.

Counsyl
Classification: Uncertain significance for Familial cancer of breast. Last evaluated: 2015-12-09. Review status: no assertion criteria provided. Collection method: clinical testing. Allele origin: unknown. Not counted in ClinVar's aggregate classification.

Literature cited by the submitters: PubMed 33471991 (cited by Color Diagnostics, LLC DBA Color Health).